The following is an entry in ClinVar:

NM_000179.3(MSH6):c.1027C>A (p.Pro343Thr)

Gene: MSH6 (mutS homolog 6; plus strand). Cytogenetic location: 2p16.3.
Variant type: single nucleotide variant.
Coding change: c.1027C>A on transcript NM_000179.3 (MANE Select); coding-DNA position 1027, C replaced by A.
Protein change: p.Pro343Thr; replaces proline 343 with threonine.
Molecular consequence: missense variant. On other transcripts: non-coding transcript variant (4), intron variant (1).
Genome position (GRCh38, 1-based): chr2:47,799,010, C>A. VCF-style: chr2-47799010-C-A. GRCh37 (hg19) VCF-style: chr2-48026149-C-A.
Other names: c.730C>A, p.Pro244Thr (NM_001406825.1, NM_001406827.1, NM_001406828.1 and 10 more transcripts); c.859C>A, p.Pro287Thr (NM_001406826.1); c.121C>A, p.Pro41Thr (NM_001406829.1, NM_001281493.2, NM_001406811.1 and 6 more transcripts); c.637C>A, p.Pro213Thr (NM_001281492.2); c.1027C>A, p.Pro343Thr (NM_001406803.1, NM_001406808.1, NM_001406809.1 and 4 more transcripts); c.949C>A, p.Pro317Thr (NM_001406804.1); c.502C>A, p.Pro168Thr (NM_001406806.1, NM_001406807.1, NM_001406799.1); c.1033C>A, p.Pro345Thr (NM_001406813.1); and 2 more; short protein forms P168T, P213T, P287T, P317T, P343T, P345T, P244T, P375T.
Identifiers: ClinVar variation 4843689 (VCV004843689.1).

ClinVar aggregate classification (germline): Uncertain significance (1 of 4 stars; one submission).

Conditions:
Hereditary cancer-predisposing syndrome. Also called: Neoplastic Syndromes, Hereditary; Tumor predisposition; Hereditary Cancer Syndrome; Hereditary neoplastic syndrome. Identifiers: Orphanet 140162, MedGen C0027672, MeSH D009386, MONDO:0015356.

Submission:

Ambry Genetics
Classification: Uncertain significance for Hereditary cancer-predisposing syndrome. Last evaluated: 2025-12-22. Review status: criteria provided, single submitter. Criteria: Ambry Variant Classification Scheme 2023. Collection method: clinical testing. Allele origin: germline.
Comment: The p.P343T variant (also known as c.1027C>A), located in coding exon 4 of the MSH6 gene, results from a C to A substitution at nucleotide position 1027. The proline at codon 343 is replaced by threonine, an amino acid with highly similar properties. This amino acid position is conserved. In addition, the in silico prediction for this alteration is inconclusive. Based on the available evidence, the clinical significance of this variant remains unclear.